The following is an entry in ClinVar:

ClinVar aggregate classification (germline): Pathogenic (1 of 4 stars; one submission).

Conditions:
Muscular dystrophy-dystroglycanopathy (congenital with brain and eye anomalies), type a, 11 (MDDGA11). Also called: WALKER-WARBURG SYNDROME OR MUSCLE-EYE-BRAIN DISEASE, B3GALNT2-RELATED; Congenital muscular dystrophy-dystroglycanopathy with brain and eye anomalies, type A11; Muscular dystrophy-dystroglycanopathy (congenital with brain and eye anomalies, type A, 11. Identifiers: Orphanet 588, Orphanet 899, MedGen C3554638, MONDO:0014071, OMIM 615181.

Submission:

Labcorp Genetics (formerly Invitae), Labcorp
Classification: Pathogenic for Muscular dystrophy-dystroglycanopathy (congenital with brain and eye anomalies), type a, 11. Last evaluated: 2017-11-23. Review status: criteria provided, single submitter. Criteria: Invitae Variant Classification Sherloc (09022015). Collection method: clinical testing. Allele origin: germline.
Comment: For these reasons, this variant has been classified as Pathogenic. This sequence change creates a premature translational stop signal (p.Pro408Leufs*10) in the B3GALNT2 gene. It is expected to result in an absent or disrupted protein product. This variant is not present in population databases (ExAC no frequency). This variant has not been reported in the literature in individuals with B3GALNT2-related disease. Loss-of-function variants in B3GALNT2 are known to be pathogenic (PMID: 23453667).

Literature cited by the submitters: PubMed 23453667.

NM_152490.5(B3GALNT2):c.1223del (p.Pro408fs)

Gene: B3GALNT2 (beta-1,3-N-acetylgalactosaminyltransferase 2; minus strand). Cytogenetic location: 1q42.3.
Variant type: Deletion.
Coding change: c.1223del on transcript NM_152490.5 (MANE Select); coding-DNA position 1223, one base deleted (C; older notation c.1223delC).
Protein change: p.Pro408fs; shifts the reading frame from proline 408.
Molecular consequence: frameshift variant.
Genome position (GRCh38, 1-based): chr1:235,454,244, G deleted on the plus strand (C on the coding strand, the reverse complement: B3GALNT2 is on the minus strand); the first of 3 consecutive G bases (chr1:235,454,244-235,454,246); deleting any one gives the same sequence. VCF-style (leftmost placement, unchanged base first): chr1-235454243-AG-A. GRCh37 (hg19) VCF-style: chr1-235617555-AG-A.
Other names: short protein forms P408fs.
Identifiers: ClinVar variation 540913 (VCV000540913.6), dbSNP rs1553342786, ClinGen allele CA658795618.
Genomic context (GRCh38, chr1:235,454,243, plus strand): 5'-GCTTGCCAGCCACTTGACGATGTCCTTGGAGATCACATATCCTGACCCACATGCAAAGGC[AG>A]GGTAAGCGGGGCTCGGGTACTCCAACTCCTGCCACTTTCCGGTTCGGTCAACTGCCCAAT-3'